The following is an entry in ClinVar:

ClinVar aggregate classification (germline): Likely benign. Review status: criteria provided, multiple submitters, no conflicts (2 of 4 stars). 4 submissions from 4 submitters: Likely benign (3). 1 of the submissions does not count toward it. Last evaluated 2026-01-21.

Conditions:
SI-related disorder. Also called: SI-related condition.
Sucrase-isomaltase deficiency (CSID). Also called: Congenital sucrose isomaltose malabsorption; Sucrose isomaltose enzyme deficiency; Deficiency of isomaltase; SI DEFICIENCY. Identifiers: Orphanet 35122, MedGen C1283620, MONDO:0009114, OMIM 222900.

Allele frequency attached by ClinVar (database versions not stated): gnomAD exomes 0.00006 and 0.00013; ExAC 0.00020; ESP Exome Variant Server 0.00039; 1000 Genomes Project 30x 0.00047; 1000 Genomes Project 0.00060; gnomAD 0.00068 and 0.00070; TOPMed 0.00072.
gnomAD v4.1: 192 of 1,546,678 alleles (0.012%); highest among the groups gnomAD compares: African/African-American, 0.19%; no homozygotes.

Submissions (4):

Labcorp Genetics (formerly Invitae), Labcorp
Classification: Likely benign. Last evaluated: 2026-01-21. Review status: criteria provided, single submitter. Criteria: Invitae Variant Classification Sherloc (09022015). Collection method: clinical testing. Allele origin: germline.

Mayo Clinic Laboratories, Mayo Clinic
Classification: Likely benign. Last evaluated: 2025-12-03. Review status: criteria provided, single submitter. Criteria: ACMG Guidelines, 2015. Collection method: clinical testing. Allele origin: germline. Observed: 1 variant allele.
Comment: BP4, BP7

Fulgent Genetics
Classification: Likely benign for Sucrase-isomaltase deficiency. Last evaluated: 2022-01-19. Review status: criteria provided, single submitter. Criteria: ACMG Guidelines, 2015. Collection method: clinical testing. Allele origin: unknown.

PreventionGenetics, part of Exact Sciences
Classification: Likely benign for SI-related condition. Last evaluated: 2021-12-08. Review status: no assertion criteria provided. Collection method: clinical testing. Allele origin: germline. Not counted in ClinVar's aggregate classification.
Comment: This variant is classified as likely benign based on ACMG/AMP sequence variant interpretation guidelines (Richards et al. 2015 PMID: 25741868, with internal and published modifications).

NM_001041.4(SI):c.876C>T (p.Phe292=)

Gene: SI (sucrase-isomaltase; minus strand). Cytogenetic location: 3q26.1.
Variant type: single nucleotide variant.
Coding change: c.876C>T on transcript NM_001041.4 (MANE Select); coding-DNA position 876, C replaced by T.
Protein change: p.Phe292=; no amino-acid change (phenylalanine 292 retained).
Molecular consequence: synonymous variant.
Genome position (GRCh38, 1-based): chr3:165,063,473, G>A on the plus strand (C>T on the coding strand, the complement: SI is on the minus strand). VCF-style: chr3-165063473-G-A. GRCh37 (hg19) VCF-style: chr3-164781261-G-A.
Other names: p.Phe292=; c.876C>T (NM_001041.3).
Identifiers: ClinVar variation 1621810 (VCV001621810.12), dbSNP rs139642816, ClinGen allele CA2691282.